The following is an entry in ClinVar:

NM_001999.4(FBN2):c.4487C>T (p.Ser1496Phe)

Gene: FBN2 (fibrillin 2; minus strand). Cytogenetic location: 5q23.3.
Variant type: single nucleotide variant.
Coding change: c.4487C>T on transcript NM_001999.4 (MANE Select); coding-DNA position 4487, C replaced by T.
Protein change: p.Ser1496Phe; replaces serine 1496 with phenylalanine.
Molecular consequence: missense variant.
Genome position (GRCh38, 1-based): chr5:128,318,986, G>A on the plus strand (C>T on the coding strand, the complement: FBN2 is on the minus strand). VCF-style: chr5-128318986-G-A. GRCh37 (hg19) VCF-style: chr5-127654678-G-A.
Other names: short protein forms S1496F.
Identifiers: ClinVar variation 2124989 (VCV002124989.4), dbSNP rs746080000, ClinGen allele CA360750831.

ClinVar aggregate classification (germline): Uncertain significance (1 of 4 stars; one submission).

Conditions:
Congenital contractural arachnodactyly (CCA). Also called: BEALS SYNDROME; Beals-Hecht syndrome; Arthrogryposis, distal, type 9. Identifiers: Orphanet 115, MedGen C0220668, MONDO:0007363, OMIM 121050.

gnomAD v4.1: 2 of 1,608,564 alleles (0.00012%); highest among the groups gnomAD compares: Non-Finnish European, 0.000085%; no homozygotes.

Submission:

Labcorp Genetics (formerly Invitae), Labcorp
Classification: Uncertain significance for Congenital contractural arachnodactyly. Last evaluated: 2022-09-07. Review status: criteria provided, single submitter. Criteria: Invitae Variant Classification Sherloc (09022015). Collection method: clinical testing. Allele origin: germline.
Comment: This sequence change replaces serine, which is neutral and polar, with phenylalanine, which is neutral and non-polar, at codon 1496 of the FBN2 protein (p.Ser1496Phe). This variant is not present in population databases (gnomAD no frequency). This variant has not been reported in the literature in individuals affected with FBN2-related conditions. Advanced modeling of protein sequence and biophysical properties (such as structural, functional, and spatial information, amino acid conservation, physicochemical variation, residue mobility, and thermodynamic stability) performed at Invitae indicates that this missense variant is not expected to disrupt FBN2 protein function. In summary, the available evidence is currently insufficient to determine the role of this variant in disease. Therefore, it has been classified as a Variant of Uncertain Significance.